The following is an entry in ClinVar:

NM_033641.4(COL4A6):c.3580G>A (p.Gly1194Ser)

Gene: COL4A6 (collagen type IV alpha 6 chain; minus strand). Cytogenetic location: Xq22.3.
Variant type: single nucleotide variant.
Coding change: c.3580G>A on transcript NM_033641.4 (MANE Select); coding-DNA position 3580, G replaced by A.
Protein change: p.Gly1194Ser; replaces glycine 1194 with serine.
Molecular consequence: missense variant.
Genome position (GRCh38, 1-based): chrX:108,169,606, C>T on the plus strand (G>A on the coding strand, the complement: COL4A6 is on the minus strand). VCF-style: chrX-108169606-C-T. GRCh37 (hg19) VCF-style: chrX-107412836-C-T.
Other names: c.3631G>A, p.Gly1211Ser (NM_001287758.2); c.3508G>A, p.Gly1170Ser (NM_001287759.2, NM_001287760.2); c.3583G>A, p.Gly1195Ser (NM_001847.4); c.3583G>A (NM_001847.2); short protein forms G1211S, G1195S, G1170S, G1194S.
Identifiers: ClinVar variation 2040543 (VCV002040543.5), dbSNP rs779915691, ClinGen allele CA10487386.

ClinVar aggregate classification (germline): Uncertain significance. Review status: criteria provided, multiple submitters, no conflicts (2 of 4 stars). 2 submissions from 2 submitters: Uncertain significance (2). Last evaluated 2025-06-12.

Allele frequency attached by ClinVar (database versions not stated): ExAC 0.00004; gnomAD exomes 0.00005; TOPMed 0.00005; gnomAD 0.00006.
gnomAD v4.1: 68 of 1,208,177 alleles (0.0056%); highest among the groups gnomAD compares: South Asian, 0.0071%; no homozygotes.

Submissions (2):

Labcorp Genetics (formerly Invitae), Labcorp
Classification: Uncertain significance. Last evaluated: 2025-06-12. Review status: criteria provided, single submitter. Criteria: Invitae Variant Classification Sherloc (09022015). Collection method: clinical testing. Allele origin: germline.
Comment: This sequence change replaces glycine, which is neutral and non-polar, with serine, which is neutral and polar, at codon 1195 of the COL4A6 protein (p.Gly1195Ser). This variant is present in population databases (rs779915691, gnomAD 0.01%). This variant has not been reported in the literature in individuals affected with COL4A6-related conditions. ClinVar contains an entry for this variant (Variation ID: 2040543). Invitae Evidence Modeling of protein sequence and biophysical properties (such as structural, functional, and spatial information, amino acid conservation, physicochemical variation, residue mobility, and thermodynamic stability) has been performed for this missense variant. However, the output from this modeling did not meet the statistical confidence thresholds required to predict the impact of this variant on COL4A6 protein function. In summary, the available evidence is currently insufficient to determine the role of this variant in disease. Therefore, it has been classified as a Variant of Uncertain Significance.

Ambry Genetics
Classification: Uncertain significance. Last evaluated: 2024-06-16. Review status: criteria provided, single submitter. Criteria: Ambry Variant Classification Scheme 2023. Collection method: clinical testing. Allele origin: germline.